The following is an entry in ClinVar:

ClinVar aggregate classification (germline): Uncertain significance (1 of 4 stars; one submission).

Submission:

Labcorp Genetics (formerly Invitae), Labcorp
Classification: Uncertain significance. Last evaluated: 2021-03-24. Review status: criteria provided, single submitter. Criteria: Invitae Variant Classification Sherloc (09022015). Collection method: clinical testing. Allele origin: germline.
Comment: In summary, the available evidence is currently insufficient to determine the role of this variant in disease. Therefore, it has been classified as a Variant of Uncertain Significance. This sequence change replaces glutamine with histidine at codon 834 of the JAK1 protein (p.Gln834His). The glutamine residue is moderately conserved and there is a small physicochemical difference between glutamine and histidine. This variant is not present in population databases (ExAC no frequency). This variant has not been reported in the literature in individuals with JAK1-related conditions. Algorithms developed to predict the effect of missense changes on protein structure and function are either unavailable or do not agree on the potential impact of this missense change (SIFT: "Not Available"; PolyPhen-2: "Possibly Damaging"; Align-GVGD: "Not Available").

NM_002227.4(JAK1):c.2502G>C (p.Gln834His)

Gene: JAK1 (Janus kinase 1; minus strand). Cytogenetic location: 1p31.3.
Variant type: single nucleotide variant.
Coding change: c.2502G>C on transcript NM_002227.4 (MANE Select); coding-DNA position 2502, G replaced by C.
Protein change: p.Gln834His; replaces glutamine 834 with histidine.
Molecular consequence: missense variant.
Genome position (GRCh38, 1-based): chr1:64,841,503, C>G on the plus strand (G>C on the coding strand, the complement: JAK1 is on the minus strand). VCF-style: chr1-64841503-C-G. GRCh37 (hg19) VCF-style: chr1-65307186-C-G.
Other names: c.2502G>C, p.Gln834His (NM_001320923.2, NM_001321852.2, NM_001321853.2 and 3 more transcripts); c.2499G>C, p.Gln833His (NM_001321857.2); short protein forms Q834H, Q833H.
Identifiers: ClinVar variation 1474899 (VCV001474899.6), dbSNP rs2100976546, ClinGen allele CA340666113.